The following is an entry in ClinVar:

ClinVar aggregate classification (germline): Uncertain significance. Review status: criteria provided, multiple submitters, no conflicts (2 of 4 stars). 2 submissions from 2 submitters: Uncertain significance (2). Last evaluated 2024-08-22.

Conditions:
Familial cancer of breast. Also called: Hereditary breast cancer; BREAST CANCER, FAMILIAL; hereditary breast carcinoma. Identifiers: Orphanet 227535, MedGen C0346153, MONDO:0016419, OMIM 114480. Disease mechanism: loss of function.
Fanconi anemia complementation group J. Also called: BRIP1-Related Fanconi Anemia. Identifiers: Orphanet 84, MedGen C1836860, MONDO:0012187, OMIM 609054.
Hereditary cancer-predisposing syndrome. Also called: Neoplastic Syndromes, Hereditary; Hereditary neoplastic syndrome; Tumor predisposition; Hereditary Cancer Syndrome. Identifiers: Orphanet 140162, MedGen C0027672, MeSH D009386, MONDO:0015356.

Submissions (2):

Ambry Genetics
Classification: Uncertain significance for Hereditary cancer-predisposing syndrome. Last evaluated: 2024-08-22. Review status: criteria provided, single submitter. Criteria: Ambry Variant Classification Scheme 2023. Collection method: clinical testing. Allele origin: germline.
Comment: The p.C442R variant (also known as c.1324T>C), located in coding exon 8 of the BRIP1 gene, results from a T to C substitution at nucleotide position 1324. The cysteine at codon 442 is replaced by arginine, an amino acid with highly dissimilar properties. This amino acid position is highly conserved in available vertebrate species. In addition, this alteration is predicted to be deleterious by in silico analysis. Since supporting evidence is limited at this time, the clinical significance of this alteration remains unclear.

Labcorp Genetics (formerly Invitae), Labcorp
Classification: Uncertain significance for Familial cancer of breast; Fanconi anemia complementation group J. Last evaluated: 2022-07-19. Review status: criteria provided, single submitter. Criteria: Invitae Variant Classification Sherloc (09022015). Collection method: clinical testing. Allele origin: germline.
Comment: This sequence change replaces cysteine, which is neutral and slightly polar, with arginine, which is basic and polar, at codon 442 of the BRIP1 protein (p.Cys442Arg). This variant is not present in population databases (gnomAD no frequency). In summary, the available evidence is currently insufficient to determine the role of this variant in disease. Therefore, it has been classified as a Variant of Uncertain Significance. Algorithms developed to predict the effect of missense changes on protein structure and function are either unavailable or do not agree on the potential impact of this missense change (SIFT: "Deleterious"; PolyPhen-2: "Probably Damaging"; Align-GVGD: "Class C0"). ClinVar contains an entry for this variant (Variation ID: 663682). This variant has not been reported in the literature in individuals affected with BRIP1-related conditions.

NM_032043.3(BRIP1):c.1324T>C (p.Cys442Arg)

Gene: BRIP1 (BRCA1 interacting DNA helicase 1; minus strand). Cytogenetic location: 17q23.2.
Variant type: single nucleotide variant.
Coding change: c.1324T>C on transcript NM_032043.3 (MANE Select); coding-DNA position 1324, T replaced by C.
Protein change: p.Cys442Arg; replaces cysteine 442 with arginine.
Molecular consequence: missense variant.
Genome position (GRCh38, 1-based): chr17:61,799,116, A>G on the plus strand (T>C on the coding strand, the complement: BRIP1 is on the minus strand). VCF-style: chr17-61799116-A-G. GRCh37 (hg19) VCF-style: chr17-59876477-A-G.
Other names: short protein forms C442R.
Identifiers: ClinVar variation 663682 (VCV000663682.15), dbSNP rs1603342146, ClinGen allele CA400483383.